The following is an entry in ClinVar:

ClinVar aggregate classification (germline): Uncertain significance (1 of 4 stars; one submission).

gnomAD v4.1: 1 of 1,614,194 alleles (0.000062%); highest among the groups gnomAD compares: South Asian, 0.0011%; no homozygotes.

Submission:

Labcorp Genetics (formerly Invitae), Labcorp
Classification: Uncertain significance. Last evaluated: 2022-03-09. Review status: criteria provided, single submitter. Criteria: Invitae Variant Classification Sherloc (09022015). Collection method: clinical testing. Allele origin: germline.
Comment: This sequence change replaces serine, which is neutral and polar, with alanine, which is neutral and non-polar, at codon 787 of the PCARE protein (p.Ser787Ala). This variant is not present in population databases (gnomAD no frequency). This variant has not been reported in the literature in individuals affected with PCARE-related conditions. Algorithms developed to predict the effect of missense changes on protein structure and function output the following: SIFT: "Tolerated"; PolyPhen-2: "Benign"; Align-GVGD: "Class C0". The alanine amino acid residue is found in multiple mammalian species, which suggests that this missense change does not adversely affect protein function. Algorithms developed to predict the effect of sequence changes on RNA splicing suggest that this variant may create or strengthen a splice site. In summary, the available evidence is currently insufficient to determine the role of this variant in disease. Therefore, it has been classified as a Variant of Uncertain Significance.

NM_001029883.3(PCARE):c.2359T>G (p.Ser787Ala)

Gene: PCARE (photoreceptor cilium actin regulator; minus strand). Cytogenetic location: 2p23.2.
Variant type: single nucleotide variant.
Coding change: c.2359T>G on transcript NM_001029883.3 (MANE Select); coding-DNA position 2359, T replaced by G.
Protein change: p.Ser787Ala; replaces serine 787 with alanine.
Molecular consequence: missense variant.
Genome position (GRCh38, 1-based): chr2:29,071,903, A>C on the plus strand (T>G on the coding strand, the complement: PCARE is on the minus strand). VCF-style: chr2-29071903-A-C. GRCh37 (hg19) VCF-style: chr2-29294769-A-C.
Other names: short protein forms S787A.
Identifiers: ClinVar variation 1484689 (VCV001484689.6), dbSNP rs2148415674, ClinGen allele CA346477705.